The following is an entry in ClinVar:

ClinVar aggregate classification (germline): Pathogenic/Likely pathogenic. Review status: criteria provided, multiple submitters, no conflicts (2 of 4 stars). 2 submissions from 2 submitters: Pathogenic (1); Likely pathogenic (1). Last evaluated 2024-07-17.

Conditions:
Neuromuscular disease caused by qualitative or quantitative defects of dysferlin. Also called: Qualitative or quantitative defects of dysferlin; Dysferlinopathy. Identifiers: Orphanet 207073, MedGen C2931687, MONDO:0016145.
Autosomal recessive limb-girdle muscular dystrophy type 2B (LGMDR2). Also called: MUSCULAR DYSTROPHY, LIMB-GIRDLE, TYPE 3; Limb-girdle muscular dystrophy, type 2B; MUSCULAR DYSTROPHY, LIMB-GIRDLE, AUTOSOMAL RECESSIVE 2; Limb-Girdle Muscular Dystrophy Type 2B (LGMD2B). Identifiers: Orphanet 268, MedGen C1850889, MONDO:0009676, OMIM 253601.

Submissions (2):

Natera, Inc.
Classification: Likely pathogenic for Limb-girdle muscular dystrophy type 2B. Last evaluated: 2024-07-17. Review status: criteria provided, single submitter. Criteria: Natera Variant Classification Schema (03/2026). Collection method: clinical testing. Allele origin: germline.
Comment: The c.4731del variant in DYSF is a frameshift variant predicted to shift the reading frame beginning at codon 1577 and leads to a stop codon 31 codons downstream. This variant is expected to result in nonsense mediated decay, truncation, or a dysfunctional protein product. This variant is rare in the general population with a frequency below the threshold expected for the associated phenotype(s). Given the available evidence, this variant is classified as Likely Pathogenic.

Labcorp Genetics (formerly Invitae), Labcorp
Classification: Pathogenic for Neuromuscular disease caused by qualitative or quantitative defects of dysferlin. Last evaluated: 2020-10-09. Review status: criteria provided, single submitter. Criteria: Invitae Variant Classification Sherloc (09022015). Collection method: clinical testing. Allele origin: germline.
Comment: Loss-of-function variants in DYSF are known to be pathogenic (PMID: 17698709, 20301480). For these reasons, this variant has been classified as Pathogenic. This variant has not been reported in the literature in individuals with DYSF-related conditions. This variant is not present in population databases (ExAC no frequency). This sequence change creates a premature translational stop signal (p.Glu1577Aspfs*31) in the DYSF gene. It is expected to result in an absent or disrupted protein product.

Literature cited by the submitters: PubMed 17698709 (cited by Labcorp Genetics (formerly Invitae), Labcorp); PubMed 20301480 (cited by Labcorp Genetics (formerly Invitae), Labcorp).

NM_001130987.2(DYSF):c.4848del (p.Glu1616fs)

Gene: DYSF (dysferlin; plus strand). Cytogenetic location: 2p13.2.
Variant type: Deletion.
Coding change: c.4848del on transcript NM_001130987.2 (MANE Select); coding-DNA position 4848, one base deleted (G; older notation c.4848delG).
Protein change: p.Glu1616fs; shifts the reading frame from glutamic acid 1616.
Molecular consequence: frameshift variant.
Genome position (GRCh38, 1-based): chr2:71,658,970, G deleted. VCF-style (leftmost placement, unchanged base first): chr2-71658969-AG-A. GRCh37 (hg19) VCF-style: chr2-71886099-AG-A.
Other names: c.4692del, p.Glu1564fs (NM_001130986.2); c.4731del, p.Glu1577fs (NM_003494.4); c.4689del, p.Glu1563fs (NM_001130976.2); c.4752del, p.Glu1584fs (NM_001130977.2); c.4794del, p.Glu1598fs (NM_001130978.2); c.4824del, p.Glu1608fs (NM_001130979.2); c.4782del, p.Glu1594fs (NM_001130980.2); c.4845del, p.Glu1615fs (NM_001130981.2); and 6 more; short protein forms E1563fs, E1564fs, E1577fs, E1578fs, E1584fs, E1585fs, E1594fs, E1595fs.
Identifiers: ClinVar variation 1069667 (VCV001069667.8), dbSNP rs2152941075, ClinGen allele CA2499216222.